The following is an entry in ClinVar:

NM_005560.6(LAMA5):c.6842C>T (p.Ala2281Val)

Gene: LAMA5 (laminin subunit alpha 5; minus strand). Cytogenetic location: 20q13.33.
Variant type: single nucleotide variant.
Coding change: c.6842C>T on transcript NM_005560.6 (MANE Select); coding-DNA position 6842, C replaced by T.
Protein change: p.Ala2281Val; replaces alanine 2281 with valine.
Molecular consequence: missense variant.
Genome position (GRCh38, 1-based): chr20:62,319,713, G>A on the plus strand (C>T on the coding strand, the complement: LAMA5 is on the minus strand). VCF-style: chr20-62319713-G-A. GRCh37 (hg19) VCF-style: chr20-60894769-G-A.
Other names: short protein forms A2281V.
Identifiers: ClinVar variation 4281369 (VCV004281369.7).
Genomic context (GRCh38, chr20:62,319,713, plus strand): 5'-GAGCCCTGAGCCTGGCTGGGCTGGCCCCTACCGCTCAGGGTGCGGTCCACAGCCCGGATG[G>A]CCGCCAACAGCGTCTTCGCATGGCCCAGTGTGGCCTCGGTGCCGGCCAGCAATTGGCTCG-3'
Protein context (NP_005551.3, residues 2271-2291): TLGHAKTLLA[Ala2281Val]IRAVDRTLSE

ClinVar aggregate classification (germline): Uncertain significance (1 of 4 stars; one submission).

Submission:

CeGaT Center for Human Genetics Tuebingen
Classification: Uncertain significance. Last evaluated: 2025-09-01. Review status: criteria provided, single submitter. Criteria: CeGaT Center For Human Genetics Tuebingen Variant Classification Criteria Version 2. Collection method: clinical testing. Allele origin: germline. Affected: yes. Observed: 1 variant allele.
Comment: LAMA5: PM2, BP4